The following is an entry in ClinVar:

NM_021076.4(NEFH):c.2566AAG[1] (p.Lys857del)

Gene: NEFH (neurofilament heavy chain; plus strand). Cytogenetic location: 22q12.2.
Variant type: Microsatellite.
Coding change: c.2566AAG[1] on transcript NM_021076.4 (MANE Select); one copy of the 3-base unit AAG starting at c.2566; the reference has two copies in a row; one copy, 3 bases deleted.
Protein change: p.Lys857del; deletes lysine 857.
Molecular consequence: inframe deletion.
Genome position (GRCh38, 1-based): chr22:29,490,209-29,490,211, AAG deleted; deleting any 3 consecutive bases within chr22:29,490,204-29,490,211 gives the same sequence; the position shown is the placement nearest the transcript's 3' end. VCF-style (leftmost placement, unchanged base first): chr22-29490203-GAGA-G. GRCh37 (hg19) VCF-style: chr22-29886192-GAGA-G.
Other names: short protein forms K857del.
Identifiers: ClinVar variation 1399847 (VCV001399847.37), dbSNP rs762969612, ClinGen allele CA10174452.

ClinVar aggregate classification (germline): Conflicting classifications of pathogenicity. Review status: criteria provided, conflicting classifications (1 of 4 stars). 4 submissions from 4 submitters: Uncertain significance (3); Likely benign (1). Last evaluated 2026-09-02.

Conditions:
NEFH-related disorder. Also called: NEFH-related condition.
Inborn genetic diseases. Identifiers: MedGen C0950123, MeSH D030342.

Submissions (4):

PreventionGenetics, part of Exact Sciences
Classification: Uncertain significance for NEFH-related condition. Last evaluated: 2026-09-02. Review status: criteria provided, single submitter. Criteria: ACMG Guidelines, 2015. Collection method: clinical testing. Allele origin: germline.
Comment: The NEFH c.2569_2571delAAG variant is predicted to result in an in-frame deletion (p.Lys857del). This variant, described as c.2564_2566del, was reported in an individual with amyotrophic lateral sclerosis and interpreted as uncertain (Müller et al 2018. PubMed ID: 29650794). This variant is reported in 0.011% of alleles in individuals of East Asian descent in gnomAD. At this time, the clinical significance of this variant is uncertain due to the absence of conclusive functional and genetic evidence.

Labcorp Genetics (formerly Invitae), Labcorp
Classification: Uncertain significance. Last evaluated: 2025-11-24. Review status: criteria provided, single submitter. Criteria: Invitae Variant Classification Sherloc (09022015). Collection method: clinical testing. Allele origin: germline.
Comment: This variant, c.2569_2571del, results in the deletion of 1 amino acid(s) of the NEFH protein (p.Lys857del), but otherwise preserves the integrity of the reading frame. This variant is present in population databases (rs762969612, gnomAD 0.01%). This variant has been observed in individual(s) with amyotrophic lateral sclerosis (PMID: 29650794). Experimental studies and prediction algorithms are not available or were not evaluated, and the functional significance of this variant is currently unknown. In summary, the available evidence is currently insufficient to determine the role of this variant in disease. Therefore, it has been classified as a Variant of Uncertain Significance.

CeGaT Center for Human Genetics Tuebingen
Classification: Uncertain significance. Last evaluated: 2022-12-01. Review status: criteria provided, single submitter. Criteria: CeGaT Center For Human Genetics Tuebingen Variant Classification Criteria Version 2. Collection method: clinical testing. Allele origin: germline. Affected: yes. Observed: 1 variant allele.
Comment: NEFH: PM4:Supporting

Ambry Genetics
Classification: Likely benign for Inborn genetic diseases. Last evaluated: 2021-11-05. Review status: criteria provided, single submitter. Criteria: Ambry Variant Classification Scheme 2023. Collection method: clinical testing. Allele origin: germline.

Literature cited by the submitters: PubMed 29650794 (cited by Labcorp Genetics (formerly Invitae), Labcorp and Ambry Genetics); PubMed 28709447 (cited by Ambry Genetics).